The following is an entry in ClinVar:

NM_013450.4(BAZ2B):c.557C>T (p.Thr186Ile)

Gene: BAZ2B (bromodomain adjacent to zinc finger domain 2B; minus strand). Cytogenetic location: 2q24.2.
Variant type: single nucleotide variant.
Coding change: c.557C>T on transcript NM_013450.4 (MANE Select); coding-DNA position 557, C replaced by T.
Protein change: p.Thr186Ile; replaces threonine 186 with isoleucine.
Molecular consequence: missense variant.
Genome position (GRCh38, 1-based): chr2:159,446,921, G>A on the plus strand (C>T on the coding strand, the complement: BAZ2B is on the minus strand). VCF-style: chr2-159446921-G-A. GRCh37 (hg19) VCF-style: chr2-160303432-G-A.
Other names: c.551C>T, p.Thr184Ile (NM_001289975.1); c.368C>T, p.Thr123Ile (NM_001329857.2); c.557C>T, p.Thr186Ile (NM_001329858.2); short protein forms T184I, T186I, T123I.
Identifiers: ClinVar variation 3572794 (VCV003572794.1).

ClinVar aggregate classification (germline): Uncertain significance (1 of 4 stars; one submission).

Submission:

GeneDx
Classification: Uncertain significance. Last evaluated: 2024-07-09. Review status: criteria provided, single submitter. Criteria: GeneDx Variant Classification Process June 2021. Collection method: clinical testing. Allele origin: germline. Affected: yes.
Comment: Not observed at significant frequency in large population cohorts (gnomAD); In silico analysis supports that this missense variant has a deleterious effect on protein structure/function; Has not been previously published as pathogenic or benign to our knowledge